The following is an entry in ClinVar:

NM_005257.6(GATA6):c.1030C>T (p.Pro344Ser)

Gene: GATA6 (GATA binding protein 6; plus strand). Cytogenetic location: 18q11.2.
Variant type: single nucleotide variant.
Coding change: c.1030C>T on transcript NM_005257.6 (MANE Select); coding-DNA position 1030, C replaced by T.
Protein change: p.Pro344Ser; replaces proline 344 with serine.
Molecular consequence: missense variant.
Genome position (GRCh38, 1-based): chr18:22,172,174, C>T. VCF-style: chr18-22172174-C-T. GRCh37 (hg19) VCF-style: chr18-19752135-C-T.
Other names: short protein forms P344S.
Identifiers: ClinVar variation 546565 (VCV000546565.13), dbSNP rs1408429022, ClinGen allele CA401801660.

ClinVar aggregate classification (germline): Uncertain significance. Review status: criteria provided, multiple submitters, no conflicts (2 of 4 stars). 3 submissions from 3 submitters: Uncertain significance (3). Last evaluated 2024-09-04.

Conditions:
Atrioventricular septal defect 5 (AVSD5). Identifiers: MedGen C3280939, MONDO:0013769, OMIM 614474.

Allele frequency attached by ClinVar (database versions not stated): gnomAD exomes 0.00001; TOPMed 0.00002.
gnomAD v4.1: 14 of 1,533,264 alleles (0.00091%); highest among the groups gnomAD compares: Non-Finnish European, 0.00087%; no homozygotes.

Submissions (3):

GeneDx
Classification: Uncertain significance. Last evaluated: 2024-09-04. Review status: criteria provided, single submitter. Criteria: GeneDx Variant Classification Process June 2021. Collection method: clinical testing. Allele origin: germline. Affected: yes.
Comment: Not observed at significant frequency in large population cohorts (gnomAD); In silico analysis indicates that this missense variant does not alter protein structure/function; Has not been previously published as pathogenic or benign to our knowledge

Labcorp Genetics (formerly Invitae), Labcorp
Classification: Uncertain significance for Atrioventricular septal defect 5. Last evaluated: 2023-11-06. Review status: criteria provided, single submitter. Criteria: Invitae Variant Classification Sherloc (09022015). Collection method: clinical testing. Allele origin: germline.
Comment: This sequence change replaces proline, which is neutral and non-polar, with serine, which is neutral and polar, at codon 344 of the GATA6 protein (p.Pro344Ser). This variant is present in population databases (no rsID available, gnomAD no frequency). This variant has not been reported in the literature in individuals affected with GATA6-related conditions. ClinVar contains an entry for this variant (Variation ID: 546565). Advanced modeling of protein sequence and biophysical properties (such as structural, functional, and spatial information, amino acid conservation, physicochemical variation, residue mobility, and thermodynamic stability) performed at Invitae indicates that this missense variant is not expected to disrupt GATA6 protein function with a negative predictive value of 80%. In summary, the available evidence is currently insufficient to determine the role of this variant in disease. Therefore, it has been classified as a Variant of Uncertain Significance.

Blueprint Genetics
Classification: Uncertain significance. Last evaluated: 2021-07-07. Review status: criteria provided, single submitter. Criteria: ACMG Guidelines, 2015. Collection method: clinical testing. Allele origin: germline.